The following is an entry in ClinVar:

ClinVar aggregate classification (germline): Likely benign. Review status: criteria provided, multiple submitters, no conflicts (2 of 4 stars). 2 submissions from 2 submitters: Likely benign (2). Last evaluated 2024-09-01.

Conditions:
Niemann-Pick disease, type A. Also called: Infantile Neurovisceral ASMD (Niemann-Pick Disease Type A; NPD-A); SPHINGOMYELIN LIPIDOSIS; SPHINGOMYELINASE DEFICIENCY. Identifiers: Orphanet 77292, MedGen C0268242, MONDO:0009756, OMIM 257200. Disease mechanism: loss of function.
Niemann-Pick disease, type B. Also called: Chronic Visceral ASMD (Niemann-Pick Disease Type B; NPD-B). Identifiers: Orphanet 77293, MedGen C0268243, MONDO:0011871, OMIM 607616. Disease mechanism: loss of function.

Submissions (2):

CeGaT Center for Human Genetics Tuebingen
Classification: Likely benign. Last evaluated: 2024-09-01. Review status: criteria provided, single submitter. Criteria: CeGaT Center For Human Genetics Tuebingen Variant Classification Criteria Version 2. Collection method: clinical testing. Allele origin: germline. Affected: yes. Observed: 1 variant allele.
Comment: SMPD1: PM2:Supporting, BP4, BP7

Labcorp Genetics (formerly Invitae), Labcorp
Classification: Likely benign for Niemann-Pick disease, type B; Niemann-Pick disease, type A. Last evaluated: 2023-12-02. Review status: criteria provided, single submitter. Criteria: Invitae Variant Classification Sherloc (09022015). Collection method: clinical testing. Allele origin: germline.

NM_000543.5(SMPD1):c.378G>A (p.Lys126=)

Gene: SMPD1 (sphingomyelin phosphodiesterase 1; plus strand). Cytogenetic location: 11p15.4.
Variant type: single nucleotide variant.
Coding change: c.378G>A on transcript NM_000543.5 (MANE Select); coding-DNA position 378, G replaced by A.
Protein change: p.Lys126=; no amino-acid change (lysine 126 retained).
Molecular consequence: synonymous variant. On other transcripts: 5 prime UTR variant (1), non-coding transcript variant (2).
Genome position (GRCh38, 1-based): chr11:6,391,443, G>A. VCF-style: chr11-6391443-G-A. GRCh37 (hg19) VCF-style: chr11-6412673-G-A.
Other names: c.375G>A, p.Lys125= (NM_001007593.3); c.378G>A, p.Lys126= (NM_001318087.2, NM_001365135.2); c.-584G>A (NM_001318088.2).
Identifiers: ClinVar variation 1924273 (VCV001924273.19), dbSNP rs2493803695, ClinGen allele CA472736484.
Genomic context (GRCh38, chr11:6,391,443, plus strand): 5'-GAAGGAACCCAATGTGGCTCGCGTGGGCTCCGTGGCCATCAAGCTGTGCAATCTGCTGAA[G>A]ATAGCACCACCTGCCGTGTGCCAATCCATTGTCCACCTCTTTGAGGATGACATGGTGGAG-3'
Protein context (NP_000534.3, residues 116-136): SVAIKLCNLL[Lys126=]IAPPAVCQSI